The following is an entry in ClinVar:

NM_020693.4(DSCAML1):c.5829C>A (p.His1943Gln)

Gene: DSCAML1 (DS cell adhesion molecule like 1; minus strand). Cytogenetic location: 11q23.3.
Variant type: single nucleotide variant.
Coding change: c.5829C>A on transcript NM_020693.4 (MANE Select); coding-DNA position 5829, C replaced by A.
Protein change: p.His1943Gln; replaces histidine 1943 with glutamine.
Molecular consequence: missense variant.
Genome position (GRCh38, 1-based): chr11:117,428,661, G>T on the plus strand (C>A on the coding strand, the complement: DSCAML1 is on the minus strand). VCF-style: chr11-117428661-G-T. GRCh37 (hg19) VCF-style: chr11-117299377-G-T.
Other names: short protein forms H1943Q.
Identifiers: ClinVar variation 2219481 (VCV002219481.3), dbSNP rs1198060014, ClinGen allele CA382751321.

ClinVar aggregate classification (germline): Uncertain significance. Review status: criteria provided, multiple submitters, no conflicts (2 of 4 stars). 2 submissions from 2 submitters: Uncertain significance (2). Last evaluated 2025-10-15.

Allele frequency attached by ClinVar (database versions not stated): gnomAD exomes below 0.00001; gnomAD 0.00001; TOPMed 0.00001.
gnomAD v4.1: 3 of 1,612,322 alleles (0.00019%); highest among the groups gnomAD compares: Admixed American, 0.005%; no homozygotes.

Submissions (2):

Labcorp Genetics (formerly Invitae), Labcorp
Classification: Uncertain significance. Last evaluated: 2025-10-15. Review status: criteria provided, single submitter. Criteria: Invitae Variant Classification Sherloc (09022015). Collection method: clinical testing. Allele origin: germline.
Comment: This sequence change replaces histidine, which is basic and polar, with glutamine, which is neutral and polar, at codon 2003 of the DSCAML1 protein (p.His2003Gln). This variant is present in population databases (no rsID available, gnomAD 0.006%). This variant has not been reported in the literature in individuals affected with DSCAML1-related conditions. ClinVar contains an entry for this variant (Variation ID: 2219481). An algorithm developed to predict the effect of missense changes on protein structure and function (PolyPhen-2) suggests that this variant is likely to be disruptive. In summary, the available evidence is currently insufficient to determine the role of this variant in disease. Therefore, it has been classified as a Variant of Uncertain Significance.

Ambry Genetics
Classification: Uncertain significance. Last evaluated: 2022-06-17. Review status: criteria provided, single submitter. Criteria: Ambry Variant Classification Scheme 2023. Collection method: clinical testing. Allele origin: germline.